The following is an entry in ClinVar:

NM_018896.5(CACNA1G):c.3427G>A (p.Glu1143Lys)

Gene: CACNA1G (calcium voltage-gated channel subunit alpha1 G; plus strand). Cytogenetic location: 17q21.33.
Variant type: single nucleotide variant.
Coding change: c.3427G>A on transcript NM_018896.5 (MANE Select); coding-DNA position 3427, G replaced by A.
Protein change: p.Glu1143Lys; replaces glutamic acid 1143 with lysine.
Molecular consequence: missense variant. On other transcripts: non-coding transcript variant (5).
Genome position (GRCh38, 1-based): chr17:50,599,596, G>A. VCF-style: chr17-50599596-G-A. GRCh37 (hg19) VCF-style: chr17-48676957-G-A.
Other names: c.3427G>A, p.Glu1143Lys (NM_001256324.2, NM_001256325.2, NM_001256326.2 and 16 more transcripts); c.3358G>A, p.Glu1120Lys (NM_001256332.2, NM_198376.3, NM_198379.3 and 5 more transcripts); short protein forms E1120K, E1143K.
Identifiers: ClinVar variation 2877587 (VCV002877587.3), dbSNP rs1446496697, ClinGen allele CA400253248.

ClinVar aggregate classification (germline): Uncertain significance (1 of 4 stars; one submission).

Allele frequency attached by ClinVar (database versions not stated): gnomAD exomes below 0.00001; gnomAD 0.00001.

Submission:

Labcorp Genetics (formerly Invitae), Labcorp
Classification: Uncertain significance. Last evaluated: 2023-06-03. Review status: criteria provided, single submitter. Criteria: Invitae Variant Classification Sherloc (09022015). Collection method: clinical testing. Allele origin: germline.
Comment: In summary, the available evidence is currently insufficient to determine the role of this variant in disease. Therefore, it has been classified as a Variant of Uncertain Significance. Advanced modeling of protein sequence and biophysical properties (such as structural, functional, and spatial information, amino acid conservation, physicochemical variation, residue mobility, and thermodynamic stability) performed at Invitae indicates that this missense variant is not expected to disrupt CACNA1G protein function. This variant has not been reported in the literature in individuals affected with CACNA1G-related conditions. The frequency data for this variant in the population databases is considered unreliable, as metrics indicate poor data quality at this position in the gnomAD database. This sequence change replaces glutamic acid, which is acidic and polar, with lysine, which is basic and polar, at codon 1143 of the CACNA1G protein (p.Glu1143Lys).